The following is an entry in ClinVar:

ClinVar aggregate classification (germline): Likely benign (1 of 4 stars; one submission).

Submission:

CeGaT Center for Human Genetics Tuebingen
Classification: Likely benign. Last evaluated: 2023-03-01. Review status: criteria provided, single submitter. Criteria: CeGaT Center For Human Genetics Tuebingen Variant Classification Criteria Version 2. Collection method: clinical testing. Allele origin: germline. Affected: yes. Observed: 1 variant allele.
Comment: SLC37A1: BS2

NM_001320537.2(SLC37A1):c.1423+1701_1423+1751dup

Gene: SLC37A1 (solute carrier family 37 member 1; plus strand). Cytogenetic location: 21q22.3.
Variant type: Duplication.
Coding change: c.1423+1701_1423+1751dup on transcript NM_001320537.2 (MANE Select); bases 1701 to 1751 of the intron after coding-DNA position 1423, 51 bases duplicated.
Molecular consequence: intron variant.
Genome position (GRCh38, 1-based): chr21:42,570,139-42,570,189, 51 bases duplicated. GRCh37 (hg19): chr21:43,990,249-43,990,299.
Other names: c.1423+1701_1423+1751dup (NM_018964.4).
Identifiers: ClinVar variation 2652708 (VCV002652708.24), dbSNP rs1569040935, ClinGen allele CA638067152.